The following is an entry in ClinVar:

NM_000368.5(TSC1):c.2372A>C (p.Asn791Thr)

Gene: TSC1 (TSC complex subunit 1; minus strand). Cytogenetic location: 9q34.13.
Variant type: single nucleotide variant.
Coding change: c.2372A>C on transcript NM_000368.5 (MANE Select); coding-DNA position 2372, A replaced by C.
Protein change: p.Asn791Thr; replaces asparagine 791 with threonine.
Molecular consequence: missense variant. On other transcripts: non-coding transcript variant (5).
Genome position (GRCh38, 1-based): chr9:132,902,624, T>G on the plus strand (A>C on the coding strand, the complement: TSC1 is on the minus strand). VCF-style: chr9-132902624-T-G. GRCh37 (hg19) VCF-style: chr9-135778011-T-G.
Other names: c.2372A>C, p.Asn791Thr (NM_001406607.1, NM_001406592.1, NM_001406593.1 and 5 more transcripts); c.2369A>C, p.Asn790Thr (NM_001406608.1, NM_001406609.1, NM_001162426.2 and 4 more transcripts); c.2009A>C, p.Asn670Thr (NM_001406614.1, NM_001362177.2, NM_001406615.1 and 5 more transcripts); c.2219A>C, p.Asn740Thr (NM_001406610.1, NM_001162427.2); c.2216A>C, p.Asn739Thr (NM_001406612.1, NM_001406613.1, NM_001406611.1); c.2357A>C, p.Asn786Thr (NM_001406601.1, NM_001406602.1); c.2354A>C, p.Asn785Thr (NM_001406603.1, NM_001406604.1); c.2006A>C, p.Asn669Thr (NM_001406620.1, NM_001406621.1, NM_001406622.1 and 2 more transcripts); and 3 more; short protein forms N440T, N740T, N786T, N669T, N791T, N474T, N670T, N785T.
Identifiers: ClinVar variation 3462442 (VCV003462442.1).

ClinVar aggregate classification (germline): Uncertain significance (1 of 4 stars; one submission).

Conditions:
Hereditary cancer-predisposing syndrome. Also called: Tumor predisposition; Neoplastic Syndromes, Hereditary; Hereditary neoplastic syndrome; Hereditary Cancer Syndrome. Identifiers: Orphanet 140162, MedGen C0027672, MeSH D009386, MONDO:0015356.

Submission:

Ambry Genetics
Classification: Uncertain significance for Hereditary cancer-predisposing syndrome. Last evaluated: 2024-06-28. Review status: criteria provided, single submitter. Criteria: Ambry Variant Classification Scheme 2023. Collection method: clinical testing. Allele origin: germline.
Comment: The p.N791T variant (also known as c.2372A>C), located in coding exon 16 of the TSC1 gene, results from an A to C substitution at nucleotide position 2372. The asparagine at codon 791 is replaced by threonine, an amino acid with similar properties. This amino acid position is not well conserved in available vertebrate species. In addition, this alteration is predicted to be tolerated by in silico analysis. Based on the available evidence, the clinical significance of this variant remains unclear.